The following is an entry in ClinVar:

ClinVar aggregate classification (germline): Pathogenic. Review status: criteria provided, multiple submitters, no conflicts (2 of 4 stars). 12 submissions from 11 submitters: Pathogenic (10). 2 of the submissions do not count toward it. Last evaluated 2025-12-29.

Conditions:
Hereditary cancer-predisposing syndrome. Also called: Neoplastic Syndromes, Hereditary; Tumor predisposition; Hereditary neoplastic syndrome; Hereditary Cancer Syndrome. Identifiers: Orphanet 140162, MedGen C0027672, MeSH D009386, MONDO:0015356.
MEN2 phenotype: Unclassified. Identifiers: MedGen CN311636.
Multiple endocrine neoplasia, type 2 (MEN2). Identifiers: Orphanet 653, MedGen C4048306, MONDO:0019003. Disease mechanism: gain of function.
Multiple endocrine neoplasia type 2A. Also called: MULTIPLE ENDOCRINE NEOPLASIA, TYPE IIA; PTC SYNDROME; SIPPLE SYNDROME; MEN 2A; MEN-2A syndrome; Pheochromocytoma and amyloid producing medullary thyroid carcinoma. Identifiers: Orphanet 247698, Orphanet 653, MedGen C0025268, MeSH D018813, MONDO:0008234, OMIM 171400.
Familial medullary thyroid carcinoma (MTC). Also called: Thyroid cancer, familial medullary; MTC, familial; Familial Medullary Thyroid Carcinoma (FMTC). Identifiers: Orphanet 653, Orphanet 99361, MedGen C1833921, MONDO:0007958, OMIM 155240.
Pheochromocytoma. Also called: MAX-Related Hereditary Paraganglioma-Pheochromocytoma Syndrome. Identifiers: Orphanet 29072, MedGen C0031511, MONDO:0008233, OMIM 171300, HP:0002666.

Submissions 1 to 8 of 12:

Center for Genomic Medicine, Rigshospitalet, Copenhagen University Hospital
Classification: Pathogenic. Last evaluated: 2025-12-29. Review status: criteria provided, single submitter. Criteria: ACMG Guidelines, 2015. Collection method: clinical testing. Allele origin: germline.

Labcorp Genetics (formerly Invitae), Labcorp
Classification: Pathogenic for Multiple endocrine neoplasia, type 2. Last evaluated: 2025-12-20. Review status: criteria provided, single submitter. Criteria: Invitae Variant Classification Sherloc (09022015). Collection method: clinical testing. Allele origin: germline.
Comment: This sequence change replaces cysteine, which is neutral and slightly polar, with glycine, which is neutral and non-polar, at codon 634 of the RET protein (p.Cys634Gly). This variant is not present in population databases (gnomAD no frequency). This missense change has been observed in individuals with medullary thyroid carcinoma or pheochromcytomas and multiple endocrine neoplasia type 2 (PMID: 8099202, 9111993, 9950371, 12000816, 12150334, 19201392, 21765987, 26230854, 26356818). It has also been observed to segregate with disease in related individuals. ClinVar contains an entry for this variant (Variation ID: 13908). An algorithm developed to predict the effect of missense changes on protein structure and function (PolyPhen-2) suggests that this variant is likely to be disruptive. This variant disrupts the p.Cys634 amino acid residue in RET. Other variant(s) that disrupt this residue have been determined to be pathogenic (PMID: 7824936, 8099202, 8103403, 8918855, 11939755, 12000816, 16865647, 21765987, 21810974, 24331334, 24716929, 26678667). This suggests that this residue is clinically significant, and that variants that disrupt this residue are likely to be disease-causing. For these reasons, this variant has been classified as Pathogenic.

Clinical Genetics Laboratory, Skane University Hospital Lund
Classification: Pathogenic. Last evaluated: 2024-02-02. Review status: criteria provided, single submitter. Criteria: ACMG Guidelines, 2015. Collection method: clinical testing. Allele origin: germline. Affected: yes.

Ambry Genetics
Classification: Pathogenic for Hereditary cancer-predisposing syndrome. Last evaluated: 2023-03-03. Review status: criteria provided, single submitter. Criteria: Ambry Variant Classification Scheme 2023. Collection method: clinical testing. Allele origin: germline.
Comment: The p.C634G pathogenic mutation (also known as c.1900T>G), located in coding exon 11 of the RET gene, results from a T to G substitution at nucleotide position 1900. The cysteine at codon 634 is replaced by glycine, an amino acid with highly dissimilar properties. Amino acid position 634 is a well described mutation hot spot associated with Multiple Endocrine Neoplasia Type 2A (MEN2A) and Familial Medullary Thyroid Carcinoma (FMTC). This mutation has been reported in multiple MEN2A/FMTC families (Mulligan LM et al. Nature. 1993 Jun;363:458-60; Mulligan LM et al. Nat. Genet. 1994 Jan;6:70-4; McMahon R et al. Hum. Mol. Genet. 1994 Apr;3:643-6; Marsh DJ et al. Genomics. 1994 Sep;23:477-9; Mulligan LM et al. J. Intern. Med. 1995 Oct;238:343-6; Eng C et al. JAMA. 1996 Nov;276:1575-9). It has also been reported in individuals with MEN2A and Cutaneous Lichen Amyloidosis (Seri M et al. Clin. Genet. 1997 Feb;51:86-90; Scapineli JO et al. Fam. Cancer. 2016 10;15:625-33). Additionally, this mutation has been identified in multiple individuals with a history of pheochromocytoma (Seri M et al. Clin. Genet. 1997 Feb;51:86-90; Neumann HP et al. N. Engl. J. Med. 2002 May;346:1459-66; Alg&uuml;n E et al. J. Endocrinol. Invest. 2002 Jul-Aug;25:603-8; Amar L et al. J. Clin. Oncol. 2005 Dec;23:8812-8). The American Thyroid Association categorizes this mutation as high risk (ATA-H) and recommends surveillance, screening, and/or possible surgical interventions in early childhood (American Thyroid Association Guidelines Task Force. Thyroid. 2009 Jun;19:565-612; Wells SA et al. Thyroid. 2015 Jun;25:567-610). This amino acid position is highly conserved in available vertebrate species. In addition, this alteration is predicted to be deleterious by in silico analysis. In addition, this alteration is predicted to be deleterious by in silico analysis. This variant is considered to be rare based on population cohorts in the Genome Aggregation Database (gnomAD). Based on the supporting evidence, this alteration is pathogenic for MEN2; however, the association of this alteration with Hirschsprung disease is unknown.

Women's Health and Genetics/Laboratory Corporation of America, LabCorp
Classification: Pathogenic for MEN2 phenotype: Unclassified. Last evaluated: 2021-04-25. Review status: criteria provided, single submitter. Criteria: LabCorp Variant Classification Summary - May 2015. Collection method: clinical testing. Allele origin: germline.
Comment: Variant summary: RET c.1900T>G (p.Cys634Gly) results in a non-conservative amino acid change in the encoded protein sequence. Five of five in-silico tools predict a damaging effect of the variant on protein function. The most frequent mutations in the RET proto-oncogene have been found in five cysteine codons 609, 611, 618, and 620 of exon 10 and codon 634 of exon 11. The variant was absent in 247534 control chromosomes. c.1900T>G has been widely reported in the literature in multiple individuals affected with Multiple Endocrine Neoplasia Type 2/Phaeochromocytoma/Medullary Carcinoma of the Thyroid/ multiple endocrine neoplasia type 2A (MEN 2A)-cutaneous lichen amyloidosis (example, Mulligan_1993, Neumann_2002, Sanz_2009, Hedayati_2011, Qi_2018, Maciel_2019). These data indicate that the variant is very likely to be associated with disease. Eight clinical diagnostic laboratories have submitted clinical-significance assessments for this variant to ClinVar after 2014 without evidence for independent evaluation. All laboratories classified the variant as pathogenic. Based on the evidence outlined above, the variant was classified as pathogenic.

GeneDx
Classification: Pathogenic. Last evaluated: 2021-04-21. Review status: criteria provided, single submitter. Criteria: GeneDx Variant Classification Process June 2021. Collection method: clinical testing. Allele origin: germline. Affected: yes.
Comment: Not observed in large population cohorts (Lek 2016); In silico analysis supports that this missense variant has a deleterious effect on protein structure/function; This variant is associated with the following publications: (PMID: 24466223, 26267327, 30763276, 27349013, 28605116, 7907913, 12000816, 26071011, 8825918, 23416954, 9467562, 8981969, 12788868, 9174404, 18063059, 19201392, 9111993, 26758973, 28946813, 27864651, 29420094, 31510104, 19258401, 12150334, 18062802, 30392857, 8099202, 7915166, 7595170, 8557249, 21765987, 14633923)

Department of Molecular Diagnostics, Institute of Oncology Ljubljana
Classification: Pathogenic for Familial medullary thyroid carcinoma. Last evaluated: 2020-04-02. Review status: criteria provided, single submitter. Criteria: ACMG Guidelines, 2015. Collection method: clinical testing. Allele origin: germline. Affected: yes.

Athena Diagnostics
Classification: Pathogenic. Last evaluated: 2018-12-05. Review status: criteria provided, single submitter. Criteria: Athena Diagnostics Criteria. Collection method: clinical testing. Allele origin: germline.
Comment: Located at a critical residue of the protein. Not found in the total gnomAD dataset, and the data is high quality (0/278388 chr). Found in at least one symptomatic patient. Predicted to have a damaging effect on the protein. Other pathogenic or likely pathogenic variants affect the same amino acid. Damaging to protein function(s) relevant to disease mechanism. Co-segregation with disease is reported.

NM_020975.6(RET):c.1900T>G (p.Cys634Gly)

Gene: RET (ret proto-oncogene; plus strand). Cytogenetic location: 10q11.21.
Variant type: single nucleotide variant.
Coding change: c.1900T>G on transcript NM_020975.6 (MANE Select); coding-DNA position 1900, T replaced by G.
Protein change: p.Cys634Gly; replaces cysteine 634 with glycine.
Molecular consequence: missense variant.
Genome position (GRCh38, 1-based): chr10:43,114,500, T>G. VCF-style: chr10-43114500-T-G. GRCh37 (hg19) VCF-style: chr10-43609948-T-G.
Other names: p.C634G:TGC>GGC; c.1900T>G, p.Cys634Gly (NM_000323.2, NM_001406743.1, NM_020629.2 and 4 more transcripts); c.1138T>G, p.Cys380Gly (NM_001355216.2); c.1462T>G, p.Cys488Gly (NM_001406771.1, NM_001406773.1); c.1504T>G, p.Cys502Gly (NM_001406772.1, NM_001406769.1); c.1375T>G, p.Cys459Gly (NM_001406774.1); c.1174T>G, p.Cys392Gly (NM_001406775.1, NM_001406776.1, NM_001406777.1 and 1 more transcripts); c.1003T>G, p.Cys335Gly (NM_001406779.1, NM_001406780.1, NM_001406781.1 and 1 more transcripts); and 8 more; short protein forms C634G, C380G, C304G, C335G, C488G, C199G, C239G, C295G.
Identifiers: ClinVar variation 13908 (VCV000013908.28), dbSNP rs75076352, ClinGen allele CA008324.